The following is an entry in ClinVar:

NM_000535.7(PMS2):c.1944T>G (p.Phe648Leu)

Gene: PMS2 (PMS1 homolog 2, mismatch repair system component; minus strand). Cytogenetic location: 7p22.1.
Variant type: single nucleotide variant.
Coding change: c.1944T>G on transcript NM_000535.7 (MANE Select); coding-DNA position 1944, T replaced by G.
Protein change: p.Phe648Leu; replaces phenylalanine 648 with leucine.
Molecular consequence: missense variant. On other transcripts: non-coding transcript variant (1).
Genome position (GRCh38, 1-based): chr7:5,986,821, A>C on the plus strand (T>G on the coding strand, the complement: PMS2 is on the minus strand). VCF-style: chr7-5986821-A-C. GRCh37 (hg19) VCF-style: chr7-6026452-A-C.
Other names: c.1539T>G, p.Phe513Leu (NM_001322003.2, NM_001322004.2, NM_001322005.2 and 1 more transcripts); c.1788T>G, p.Phe596Leu (NM_001322006.2); c.1626T>G, p.Phe542Leu (NM_001322007.2, NM_001322008.2); c.1383T>G, p.Phe461Leu (NM_001322010.2); c.1011T>G, p.Phe337Leu (NM_001322011.2, NM_001322012.2); c.1371T>G, p.Phe457Leu (NM_001322013.2); c.1944T>G, p.Phe648Leu (NM_001322014.2); c.1635T>G, p.Phe545Leu (NM_001322015.2); and 1 more; short protein forms F337L, F545L, F596L, F648L, F461L, F457L, F513L, F542L.
Identifiers: ClinVar variation 1039552 (VCV001039552.11), dbSNP rs144011908, ClinGen allele CA366739126.

ClinVar aggregate classification (germline): Uncertain significance. Review status: criteria provided, multiple submitters, no conflicts (2 of 4 stars). 2 submissions from 2 submitters: Uncertain significance (2). Last evaluated 2023-02-17.

Conditions:
Hereditary nonpolyposis colorectal neoplasms. Identifiers: MedGen C0009405, MeSH D003123.
Hereditary cancer-predisposing syndrome. Also called: Neoplastic Syndromes, Hereditary; Hereditary Cancer Syndrome; Tumor predisposition; Hereditary neoplastic syndrome. Identifiers: Orphanet 140162, MedGen C0027672, MeSH D009386, MONDO:0015356.

Submissions (2):

Ambry Genetics
Classification: Uncertain significance for Hereditary cancer-predisposing syndrome. Last evaluated: 2023-02-17. Review status: criteria provided, single submitter. Criteria: Ambry Variant Classification Scheme 2023. Collection method: clinical testing. Allele origin: germline.
Comment: The p.F648L variant (also known as c.1944T>G), located in coding exon 11 of the PMS2 gene, results from a T to G substitution at nucleotide position 1944. The phenylalanine at codon 648 is replaced by leucine, an amino acid with highly similar properties. This amino acid position is conserved. In addition, the in silico prediction for this alteration is inconclusive. Since supporting evidence is limited at this time, the clinical significance of this alteration remains unclear.

Labcorp Genetics (formerly Invitae), Labcorp
Classification: Uncertain significance for Hereditary nonpolyposis colorectal neoplasms. Last evaluated: 2020-01-10. Review status: criteria provided, single submitter. Criteria: Invitae Variant Classification Sherloc (09022015). Collection method: clinical testing. Allele origin: germline.
Comment: This variant is not present in population databases (ExAC no frequency). In summary, the available evidence is currently insufficient to determine the role of this variant in disease. Therefore, it has been classified as a Variant of Uncertain Significance. Algorithms developed to predict the effect of missense changes on protein structure and function are either unavailable or do not agree on the potential impact of this missense change (SIFT: "Deleterious"; PolyPhen-2: "Probably Damaging"; Align-GVGD: "Class C15"). This variant has not been reported in the literature in individuals with PMS2-related conditions. This sequence change replaces phenylalanine with leucine at codon 648 of the PMS2 protein (p.Phe648Leu). The phenylalanine residue is highly conserved and there is a small physicochemical difference between phenylalanine and leucine.